The following is an entry in ClinVar:

NM_005359.6(SMAD4):c.1580T>A (p.Ile527Asn)

Gene: SMAD4 (SMAD family member 4; plus strand). Cytogenetic location: 18q21.2.
Variant type: single nucleotide variant.
Coding change: c.1580T>A on transcript NM_005359.6 (MANE Select); coding-DNA position 1580, T replaced by A.
Protein change: p.Ile527Asn; replaces isoleucine 527 with asparagine.
Molecular consequence: missense variant. On other transcripts: non-coding transcript variant (1).
Genome position (GRCh38, 1-based): chr18:51,078,388, T>A. VCF-style: chr18-51078388-T-A. GRCh37 (hg19) VCF-style: chr18-48604758-T-A.
Other names: c.1580T>A, p.Ile527Asn (NM_001407041.1, NM_001407042.1); short protein forms I527N.
Identifiers: ClinVar variation 4170058 (VCV004170058.1).

ClinVar aggregate classification (germline): Uncertain significance (1 of 4 stars; one submission).

Conditions:
Familial thoracic aortic aneurysm and aortic dissection (TAAD). Also called: Thoracic aortic aneurysms and dissections. Identifiers: Orphanet 91387, MedGen C4707243, MONDO:0019625.
Hereditary cancer-predisposing syndrome. Also called: Neoplastic Syndromes, Hereditary; Tumor predisposition; Hereditary Cancer Syndrome; Hereditary neoplastic syndrome. Identifiers: Orphanet 140162, MedGen C0027672, MeSH D009386, MONDO:0015356.

Submission:

Ambry Genetics
Classification: Uncertain significance for Hereditary cancer-predisposing syndrome; Familial thoracic aortic aneurysm and aortic dissection. Last evaluated: 2025-09-10. Review status: criteria provided, single submitter. Criteria: Ambry Variant Classification Scheme 2023. Collection method: clinical testing. Allele origin: germline.
Comment: The p.I527N variant (also known as c.1580T>A), located in coding exon 11 of the SMAD4 gene, results from a T to A substitution at nucleotide position 1580. The isoleucine at codon 527 is replaced by asparagine, an amino acid with dissimilar properties. This amino acid position is conserved. In addition, this alteration is predicted to be deleterious by in silico analysis. Based on the available evidence, the clinical significance of this variant remains unclear.